The following is an entry in ClinVar:

ClinVar aggregate classification (germline): Benign/Likely benign. Review status: criteria provided, multiple submitters, no conflicts (2 of 4 stars). 4 submissions from 4 submitters: Benign (1); Likely benign (3). Last evaluated 2026-01-12.

Conditions:
Hereditary cancer-predisposing syndrome. Also called: Hereditary neoplastic syndrome; Neoplastic Syndromes, Hereditary; Tumor predisposition; Hereditary Cancer Syndrome. Identifiers: Orphanet 140162, MedGen C0027672, MeSH D009386, MONDO:0015356.
Familial thoracic aortic aneurysm and aortic dissection (TAAD). Also called: Thoracic aortic aneurysms and dissections. Identifiers: Orphanet 91387, MedGen C4707243, MONDO:0019625.
Juvenile polyposis syndrome (JPS). Identifiers: Orphanet 2929, MedGen C0345893, MONDO:0017380, OMIM 174900.
Juvenile polyposis/hereditary hemorrhagic telangiectasia syndrome (JPHT). Also called: Juvenile Polyposis Syndrome / Hereditary Hemorrhagic Telangiectasia (JPS/HHT); JP/HHT SYNDROME; JUVENILE POLYPOSIS WITH HEREDITARY HEMORRHAGIC TELANGIECTASIA; POLYPOSIS, GENERALIZED JUVENILE, WITH PULMONARY ARTERIOVENOUS MALFORMATION; TELANGIECTASIA, HEREDITARY HEMORRHAGIC, WITH JUVENILE POLYPOSIS COLI. Identifiers: Orphanet 2929, MedGen C1832942, MONDO:0008278, OMIM 175050.

Allele frequency attached by ClinVar (database versions not stated): TOPMed below 0.00001; gnomAD exomes 0.00001.
gnomAD v4.1: 8 of 1,610,842 alleles (0.0005%); highest among the groups gnomAD compares: Non-Finnish European, 0.00068%; no homozygotes.

Submissions (4):

Labcorp Genetics (formerly Invitae), Labcorp
Classification: Likely benign for Juvenile polyposis syndrome. Last evaluated: 2026-01-12. Review status: criteria provided, single submitter. Criteria: Invitae Variant Classification Sherloc (09022015). Collection method: clinical testing. Allele origin: germline.

Myriad Genetics, Inc.
Classification: Benign for Juvenile polyposis/hereditary hemorrhagic telangiectasia syndrome. Last evaluated: 2025-03-24. Review status: criteria provided, single submitter. Criteria: Myriad Autosomal Dominant, Autosomal Recessive and X-Linked Classification Criteria (2023). Collection method: clinical testing. Allele origin: unknown.
Comment: This variant is considered benign. This variant is a silent/synonymous amino acid change and it is not expected to impact splicing.

Color Diagnostics, LLC DBA Color Health
Classification: Likely benign for Hereditary cancer-predisposing syndrome. Last evaluated: 2019-02-12. Review status: criteria provided, single submitter. Criteria: ACMG Guidelines, 2015. Collection method: clinical testing. Allele origin: germline.

Ambry Genetics
Classification: Likely benign for Hereditary cancer-predisposing syndrome; Familial thoracic aortic aneurysm and aortic dissection. Last evaluated: 2017-05-10. Review status: criteria provided, single submitter. Criteria: Ambry Variant Classification Scheme 2023. Collection method: clinical testing. Allele origin: germline.

NM_005359.6(SMAD4):c.1389A>T (p.Ala463=)

Gene: SMAD4 (SMAD family member 4; plus strand). Cytogenetic location: 18q21.2.
Variant type: single nucleotide variant.
Coding change: c.1389A>T on transcript NM_005359.6 (MANE Select); coding-DNA position 1389, A replaced by T.
Protein change: p.Ala463=; no amino-acid change (alanine 463 retained).
Molecular consequence: synonymous variant.
Genome position (GRCh38, 1-based): chr18:51,076,718, A>T. VCF-style: chr18-51076718-A-T. GRCh37 (hg19) VCF-style: chr18-48603088-A-T.
Identifiers: ClinVar variation 742840 (VCV000742840.16), dbSNP rs1599204151, ClinGen allele CA503873861.